The following is an entry in ClinVar:

NM_000525.4(KCNJ11):c.*1562A>G

Gene: KCNJ11 (potassium inwardly rectifying channel subfamily J member 11; minus strand). Cytogenetic location: 11p15.1.
Variant type: single nucleotide variant.
Coding change: c.*1562A>G on transcript NM_000525.4 (MANE Select); 1562 bases downstream of the stop codon, A replaced by G.
Molecular consequence: 3 prime UTR variant.
Genome position (GRCh38, 1-based): chr11:17,385,357, T>C on the plus strand (A>G on the coding strand, the complement: KCNJ11 is on the minus strand). VCF-style: chr11-17385357-T-C. GRCh37 (hg19) VCF-style: chr11-17406904-T-C.
Other names: c.*1562A>G (NM_001166290.2, NM_001377296.1, NM_001377297.1).
Identifiers: ClinVar variation 303707 (VCV000303707.6), dbSNP rs886048031, ClinGen allele CA10638581.

ClinVar aggregate classification (germline): Uncertain significance. Review status: criteria provided, multiple submitters, no conflicts (2 of 4 stars). 4 submissions from 2 submitters: Uncertain significance (4). Last evaluated 2018-01-12.

Conditions:
Maturity-onset diabetes of the young type 13. Also called: MODY, TYPE 13. Identifiers: Orphanet 552, MedGen C4225365, MONDO:0014589, OMIM 616329.
Maturity-onset diabetes of the young (MODY). Also called: Maturity onset diabetes mellitus in young. Identifiers: Orphanet 552, MedGen C0342276, MONDO:0018911, HP:0004904.
Diabetes mellitus, transient neonatal, 3 (TNDM3). Identifiers: Orphanet 99886, MedGen C1864623, MONDO:0012522, OMIM 610582. Disease mechanism: loss of function.
Hyperinsulinemic hypoglycemia, familial, 2. Also called: HYPERINSULINEMIC HYPOGLYCEMIA, PERSISTENT; HYPERINSULINISM, NEONATAL. Identifiers: Orphanet 276580, Orphanet 276603, MedGen C2931833, MONDO:0011153, OMIM 601820. Disease mechanism: loss of function.

Allele frequency attached by ClinVar (database versions not stated): gnomAD 0.00001.

Submissions (4):

Illumina Laboratory Services, Illumina
Classification: Uncertain significance for Diabetes mellitus, transient neonatal, 3. Last evaluated: 2018-01-12. Review status: criteria provided, single submitter. Criteria: ICSL Variant Classification Criteria 13 December 2019. Collection method: clinical testing. Allele origin: germline.

Illumina Laboratory Services, Illumina
Classification: Uncertain significance for Maturity-onset diabetes of the young type 13. Last evaluated: 2018-01-12. Review status: criteria provided, single submitter. Criteria: ICSL Variant Classification Criteria 13 December 2019. Collection method: clinical testing. Allele origin: germline.

Illumina Laboratory Services, Illumina
Classification: Uncertain significance for Hyperinsulinemic hypoglycemia, familial, 2. Last evaluated: 2018-01-12. Review status: criteria provided, single submitter. Criteria: ICSL Variant Classification Criteria 13 December 2019. Collection method: clinical testing. Allele origin: germline.

Clinical Genomics, Uppaluri K&H Personalized Medicine Clinic
Classification: Uncertain significance for Maturity-onset diabetes of the young. Review status: criteria provided, single submitter. Criteria: K & H Uppaluri Personalized Medicine Clinic Variant Classification & Assertion Criteria_Updated V.1. Collection method: research. Allele origin: somatic. Inheritance: Autosomal dominant inheritance.
Comment: Mutations in KCNJ11 gene can cause decreased production and secretion of insulin. This can lead to MODY which may be responsive to oral sulfonylureas. It is also associated with Neonatal Diabetes. However, no sufficient evidence is found to ascertain the role of this particular variant (rs886048031) in MODY yet.

Literature cited by the submitters: PubMed 26448950 (cited by Clinical Genomics, Uppaluri K&H Personalized Medicine Clinic); PubMed 15580558 (cited by Clinical Genomics, Uppaluri K&H Personalized Medicine Clinic); PubMed 15718250 (cited by Clinical Genomics, Uppaluri K&H Personalized Medicine Clinic); PubMed 32935446 (cited by Clinical Genomics, Uppaluri K&H Personalized Medicine Clinic); PubMed 22701567 (cited by Clinical Genomics, Uppaluri K&H Personalized Medicine Clinic).